The following is an entry in ClinVar:

ClinVar aggregate classification (germline): Benign. Review status: criteria provided, multiple submitters, no conflicts (2 of 4 stars). 21 submissions from 18 submitters: Benign (17). 4 of the submissions do not count toward it. Last evaluated 2026-02-03.

Conditions:
Noonan syndrome and Noonan-related syndrome. Identifiers: Orphanet 98733, MedGen C5681679, MONDO:0020297.
RASopathy. Also called: rasopathies; Noonan spectrum disorder. Identifiers: Orphanet 536391, MedGen C5555857, MONDO:0021060.
LEOPARD syndrome 1 (LPRD1). Also called: LENTIGINOSIS, CARDIOMYOPATHIC; MULTIPLE LENTIGINES SYNDROME; PTPN11-Related LEOPARD Syndrome. Identifiers: Orphanet 500, MedGen C4551484, MONDO:0100082, OMIM 151100.
Noonan syndrome 1 (NS1). Also called: PTPN11-Related Noonan Syndrome; FEMALE PSEUDO-TURNER SYNDROME; TURNER PHENOTYPE WITH NORMAL KARYOTYPE. Identifiers: Orphanet 648, MedGen C4551602, MONDO:0008104, OMIM 163950. Disease mechanism: gain of function.
Metachondromatosis (METCDS). Identifiers: Orphanet 2499, MedGen C0410530, MONDO:0007979, OMIM 156250.
Juvenile myelomonocytic leukemia (JMML). Also called: LEUKEMIA, JUVENILE MYELOMONOCYTIC, SOMATIC. Identifiers: Orphanet 86834, MedGen C0349639, MONDO:0011908, OMIM 607785, HP:0012209.

Allele frequency attached by ClinVar (database versions not stated): ExAC 0.01978; gnomAD 0.03941 and 0.04151; 1000 Genomes Project 0.04293; TOPMed 0.04348; gnomAD exomes 0.01361 and 0.01813; 1000 Genomes Project 30x 0.04528; ESP Exome Variant Server 0.04606.
gnomAD v4.1: 25,448 of 1,558,590 alleles (1.6%); highest among the groups gnomAD compares: African/African-American, 11%; 577 homozygotes.

Submissions (32):

Labcorp Genetics (formerly Invitae), Labcorp
Classification: Benign for RASopathy. Last evaluated: 2026-02-03. Review status: criteria provided, single submitter. Criteria: Invitae Variant Classification Sherloc (09022015). Collection method: clinical testing. Allele origin: germline.

ARUP Laboratories, Molecular Genetics and Genomics, ARUP Laboratories
Classification: Benign. Last evaluated: 2025-07-18. Review status: criteria provided, single submitter. Criteria: ARUP Molecular Germline Variant Investigation Process 2024. Collection method: clinical testing. Allele origin: germline.

Molecular Diagnostic Laboratory for Inherited Cardiovascular Disease, Montreal Heart Institute
Classification: Benign. Last evaluated: 2025-04-09. Review status: criteria provided, single submitter. Criteria: ACMG Guidelines, 2015. Collection method: clinical testing. Allele origin: germline. Affected: no.

KCCC/NGS Laboratory, Kuwait Cancer Control Center
Classification: Benign for Metachondromatosis. Last evaluated: 2025-02-01. Review status: criteria provided, single submitter. Criteria: ACMG Guidelines, 2015. Collection method: clinical testing. Allele origin: germline. Affected: no.

Blueprint Genetics
Classification: Benign. Last evaluated: 2024-11-27. Review status: criteria provided, single submitter. Criteria: ACMG Guidelines, 2015. Collection method: clinical testing. Allele origin: germline.

KCCC/NGS Laboratory, Kuwait Cancer Control Center
Classification: Benign for Juvenile myelomonocytic leukemia. Last evaluated: 2023-07-07. Review status: criteria provided, single submitter. Criteria: ACMG Guidelines, 2015. Collection method: clinical testing. Allele origin: germline. Affected: yes.

Mayo Clinic Laboratories, Mayo Clinic
Classification: Benign. Last evaluated: 2022-04-17. Review status: criteria provided, single submitter. Criteria: ACMG Guidelines, 2015. Collection method: clinical testing. Allele origin: germline. Observed: 112 variant alleles.

Genome Diagnostics Laboratory, The Hospital for Sick Children
Classification: Benign for Noonan syndrome and Noonan-related syndrome. Last evaluated: 2021-07-05. Review status: criteria provided, single submitter. Criteria: ACMG Guidelines, 2015. Collection method: clinical testing. Allele origin: germline.

Athena Diagnostics
Classification: Benign. Last evaluated: 2019-11-20. Review status: criteria provided, single submitter. Criteria: Athena Diagnostics Criteria. Collection method: clinical testing. Allele origin: unknown.

Illumina Laboratory Services, Illumina
Classification: Benign for LEOPARD syndrome 1. Last evaluated: 2018-01-12. Review status: criteria provided, single submitter. Criteria: ICSL Variant Classification Criteria 13 December 2019. Collection method: clinical testing. Allele origin: germline.
Comment: This variant was observed in the ICSL laboratory as part of a predisposition screen in an ostensibly healthy population. It had not been previously curated by ICSL or reported in the Human Gene Mutation Database (HGMD: prior to June 1st, 2018), and was therefore a candidate for classification through an automated scoring system. Utilizing variant allele frequency, disease prevalence and penetrance estimates, and inheritance mode, an automated score was calculated to assess if this variant is too frequent to cause the disease. Based on the score and internal cut-off values, a variant classified as benign is not then subjected to further curation. The score for this variant resulted in a classification of benign for this disease.

Illumina Laboratory Services, Illumina
Classification: Benign for Noonan syndrome 1. Last evaluated: 2018-01-12. Review status: criteria provided, single submitter. Criteria: ICSL Variant Classification Criteria 13 December 2019. Collection method: clinical testing. Allele origin: germline.
Comment: the same text as in the submission from Illumina Laboratory Services, Illumina above.

Illumina Laboratory Services, Illumina
Classification: Benign for Metachondromatosis. Last evaluated: 2018-01-12. Review status: criteria provided, single submitter. Criteria: ICSL Variant Classification Criteria 13 December 2019. Collection method: clinical testing. Allele origin: germline.
Comment: the same text as in the submission from Illumina Laboratory Services, Illumina above.

Eurofins Ntd Llc (ga)
Classification: Benign. Last evaluated: 2013-03-01. Review status: criteria provided, single submitter. Criteria: EGL Classification Definitions 2015. Collection method: clinical testing. Allele origin: germline. Observed: 2 variant alleles, 2 heterozygotes.

Laboratory for Molecular Medicine, Mass General Brigham Personalized Medicine
Classification: Benign. Last evaluated: 2007-08-20. Review status: criteria provided, single submitter. Criteria: LMM Criteria. Collection method: clinical testing. Allele origin: germline. Observed: 169 variant alleles.

Breakthrough Genomics
Classification: Benign. Review status: criteria provided, single submitter. Criteria: ACMG Guidelines, 2015. Collection method: not provided. Allele origin: germline. Inheritance: Autosomal dominant inheritance. Affected: yes.

GeneDx
Classification: Benign for Rasopathy. Review status: criteria provided, single submitter. Criteria: GeneDx Variant Classification (06012015). Collection method: clinical testing. Allele origin: unknown.
ClinVar note: Converted during submission from POLY to Benign.

PreventionGenetics, part of Exact Sciences
Classification: Benign. Review status: criteria provided, single submitter. Criteria: ACMG Guidelines, 2015. Collection method: clinical testing. Allele origin: germline.

Greenwood Genetic Center Diagnostic Laboratories, Greenwood Genetic Center
Classification: Benign. Last evaluated: 2015-01-15. Review status: no assertion criteria provided. Collection method: clinical testing. Allele origin: germline. Not counted in ClinVar's aggregate classification.

Clinical Genetics, Academic Medical Center
Classification: Benign. Review status: no assertion criteria provided. Collection method: clinical testing. Allele origin: germline. Affected: yes. Study: VKGL Data-share Consensus. Not counted in ClinVar's aggregate classification.

Dr. Peter K. Rogan Lab, Western University
No classification provided (evidence only). Condition: Acute myeloid leukemia. Review status: no classification provided. Collection method: in vitro. Allele origin: not applicable. Functional consequence: retained intron. Not counted in ClinVar's aggregate classification.

Dr. Peter K. Rogan Lab, Western University
No classification provided (evidence only). Condition: Acute myeloid leukemia. Review status: no classification provided. Collection method: in vitro. Allele origin: not applicable. Functional consequence: retained intron. Not counted in ClinVar's aggregate classification.

Dr. Peter K. Rogan Lab, Western University
No classification provided (evidence only). Condition: Acute myeloid leukemia. Review status: no classification provided. Collection method: in vitro. Allele origin: not applicable. Functional consequence: retained intron. Not counted in ClinVar's aggregate classification.

Dr. Peter K. Rogan Lab, Western University
No classification provided (evidence only). Condition: Uterine corpus endometrial carcinoma. Review status: no classification provided. Collection method: in vitro. Allele origin: not applicable. Functional consequence: retained intron. Not counted in ClinVar's aggregate classification.

Dr. Peter K. Rogan Lab, Western University
No classification provided (evidence only). Condition: Cervical cancer. Review status: no classification provided. Collection method: in vitro. Allele origin: not applicable. Functional consequence: retained intron. Not counted in ClinVar's aggregate classification.

Dr. Peter K. Rogan Lab, Western University
No classification provided (evidence only). Condition: Malignant lymphoma, large B-cell, diffuse. Review status: no classification provided. Collection method: in vitro. Allele origin: not applicable. Functional consequence: retained intron. Not counted in ClinVar's aggregate classification.

Dr. Peter K. Rogan Lab, Western University
No classification provided (evidence only). Condition: Ovarian serous cystadenocarcinoma. Review status: no classification provided. Collection method: in vitro. Allele origin: not applicable. Functional consequence: retained intron. Not counted in ClinVar's aggregate classification.

Dr. Peter K. Rogan Lab, Western University
No classification provided (evidence only). Condition: Gastric cancer. Review status: no classification provided. Collection method: in vitro. Allele origin: not applicable. Functional consequence: retained intron. Not counted in ClinVar's aggregate classification.

Dr. Peter K. Rogan Lab, Western University
No classification provided (evidence only). Condition: Gastric cancer. Review status: no classification provided. Collection method: in vitro. Allele origin: not applicable. Functional consequence: retained intron. Not counted in ClinVar's aggregate classification.

Dr. Peter K. Rogan Lab, Western University
No classification provided (evidence only). Condition: Gastric cancer. Review status: no classification provided. Collection method: in vitro. Allele origin: not applicable. Functional consequence: retained intron. Not counted in ClinVar's aggregate classification.

Dr. Peter K. Rogan Lab, Western University
No classification provided (evidence only). Condition: Gastric cancer. Review status: no classification provided. Collection method: in vitro. Allele origin: not applicable. Functional consequence: retained intron. Not counted in ClinVar's aggregate classification.

Genome Diagnostics Laboratory, Amsterdam University Medical Center
Classification: Benign. Review status: no assertion criteria provided. Collection method: clinical testing. Allele origin: germline. Affected: yes. Study: VKGL Data-share Consensus. Not counted in ClinVar's aggregate classification.

Genome Diagnostics Laboratory, University Medical Center Utrecht
Classification: Benign. Review status: no assertion criteria provided. Collection method: clinical testing. Allele origin: germline. Affected: yes. Study: VKGL Data-share Consensus. Not counted in ClinVar's aggregate classification.

Literature cited by the submitters: PubMed 12634870 (cited by Athena Diagnostics); PubMed 11992261 (cited by Athena Diagnostics and Laboratory for Molecular Medicine, Mass General Brigham Personalized Medicine); PubMed 15940693 (cited by Athena Diagnostics); PubMed 16488201 (cited by Athena Diagnostics); PubMed 12900909 (cited by Athena Diagnostics).

NM_002834.5(PTPN11):c.1093-9C>A

Gene: PTPN11 (protein tyrosine phosphatase non-receptor type 11; plus strand). Cytogenetic location: 12q24.13.
Variant type: single nucleotide variant.
Coding change: c.1093-9C>A on transcript NM_002834.5 (MANE Select); 9 bases into the intron before coding-DNA position 1093, C replaced by A.
Molecular consequence: intron variant.
Genome position (GRCh38, 1-based): chr12:112,482,065, C>A. VCF-style: chr12-112482065-C-A. GRCh37 (hg19) VCF-style: chr12-112919869-C-A.
Other names: p.?; c.1093-9C>A (NM_001330437.2, NM_080601.3, NM_002834.4); c.1090-9C>A (NM_001374625.1).
Identifiers: ClinVar variation 40542 (VCV000040542.81), dbSNP rs12301915, ClinGen allele CA134631.